The following is an entry in ClinVar:

NM_000426.4(LAMA2):c.6147del (p.Asp2050fs)

Genes: LAMA2 (laminin subunit alpha 2; plus strand), LOC123864065 (Sharpr-MPRA regulatory region 661; plus strand). Cytogenetic location: 6q22.33.
Variant type: Deletion.
Coding change: c.6147del on transcript NM_000426.4 (MANE Select); coding-DNA position 6147, one base deleted (A; older notation c.6147delA).
Protein change: p.Asp2050fs; shifts the reading frame from aspartic acid 2050.
Molecular consequence: frameshift variant.
Genome position (GRCh38, 1-based): chr6:129,440,877, A deleted; the last of 3 consecutive A bases (chr6:129,440,875-129,440,877); deleting any one gives the same sequence. VCF-style (leftmost placement, unchanged base first): chr6-129440874-TA-T. GRCh37 (hg19) VCF-style: chr6-129762019-TA-T.
Other names: c.6147del, p.Asp2050fs (NM_001079823.2); short protein forms D2050fs.
Identifiers: ClinVar variation 2128801 (VCV002128801.5), dbSNP rs2533385613, ClinGen allele CA2580075061.

ClinVar aggregate classification (germline): Pathogenic/Likely pathogenic. Review status: criteria provided, multiple submitters, no conflicts (2 of 4 stars). 2 submissions from 2 submitters: Pathogenic (1); Likely pathogenic (1). Last evaluated 2022-09-22.

Conditions:
LAMA2-related muscular dystrophy (LAMA2-RD). Also called: Laminin alpha 2-related dystrophy. Identifiers: MedGen C5679788, MONDO:0100228.
Merosin deficient congenital muscular dystrophy (MDC1A). Also called: Congenital merosin-deficient muscular dystrophy 1A; Congenital Muscular Dystrophy Type 1A (MDC1A). Identifiers: Orphanet 258, MedGen C1263858, MONDO:0011925, OMIM 607855.

Submissions (2):

Baylor Genetics
Classification: Likely pathogenic for Merosin deficient congenital muscular dystrophy. Last evaluated: 2022-09-22. Review status: criteria provided, single submitter. Criteria: ACMG Guidelines, 2015. Collection method: clinical testing. Allele origin: unknown.

Labcorp Genetics (formerly Invitae), Labcorp
Classification: Pathogenic for LAMA2-related muscular dystrophy. Last evaluated: 2022-04-21. Review status: criteria provided, single submitter. Criteria: Invitae Variant Classification Sherloc (09022015). Collection method: clinical testing. Allele origin: germline.
Comment: This sequence change creates a premature translational stop signal (p.Asp2050Metfs*16) in the LAMA2 gene. It is expected to result in an absent or disrupted protein product. Loss-of-function variants in LAMA2 are known to be pathogenic (PMID: 18700894, 32904964). This variant is not present in population databases (gnomAD no frequency). This variant has not been reported in the literature in individuals affected with LAMA2-related conditions. For these reasons, this variant has been classified as Pathogenic.

Literature cited by the submitters: PubMed 18700894 (cited by Labcorp Genetics (formerly Invitae), Labcorp); PubMed 32904964 (cited by Labcorp Genetics (formerly Invitae), Labcorp).